The following is an entry in ClinVar:

NM_001382567.1(STIM1):c.1635-10del

Gene: STIM1 (stromal interaction molecule 1; plus strand). Cytogenetic location: 11p15.4.
Variant type: Deletion.
Coding change: c.1635-10del on transcript NM_001382567.1 (MANE Select); 10 bases into the intron before coding-DNA position 1635, one base deleted (T; older notation c.1635-10delT).
Molecular consequence: intron variant.
Genome position (GRCh38, 1-based): chr11:4,091,272, T deleted. VCF-style (leftmost placement, unchanged base first): chr11-4091271-AT-A. GRCh37 (hg19) VCF-style: chr11-4112501-AT-A.
Other names: c.1357-10del (NM_001382578.1, NM_001382579.1); c.1320-10del (NM_001382575.1, NM_001382576.1, NM_001382577.1); c.1090-10del (NM_001382580.1); c.1053-10del (NM_001382581.1); c.1638-10del (NM_001382566.1); c.1563-10del (NM_001382568.1); c.1579-10del (NM_001277962.2); c.1542-10del (NM_003156.4); and 4 more.
Identifiers: ClinVar variation 4786944 (VCV004786944.1).

ClinVar aggregate classification (germline): Uncertain significance (1 of 4 stars; one submission).

Conditions:
Stormorken syndrome (STRMK). Also called: THROMBOCYTOPATHY, ASPLENIA, AND MIOSIS. Identifiers: Orphanet 3204, MedGen C1861451, MONDO:0008497, OMIM 185070.
Myopathy with tubular aggregates (TAM). Also called: Tubular Aggregate Myopathy. Identifiers: Orphanet 2593, MedGen C0410207, MONDO:0008051.
Combined immunodeficiency due to STIM1 deficiency. Also called: STIM1 DEFICIENCY; IMMUNODEFICIENCY 10. Identifiers: Orphanet 169090, Orphanet 317430, MedGen C2748557, MONDO:0013008, OMIM 612783.

Submission:

Labcorp Genetics (formerly Invitae), Labcorp
Classification: Uncertain significance for Myopathy with tubular aggregates; Combined immunodeficiency due to STIM1 deficiency; Stormorken syndrome. Last evaluated: 2025-12-14. Review status: criteria provided, single submitter. Criteria: Invitae Variant Classification Sherloc (09022015). Collection method: clinical testing. Allele origin: germline.
Comment: This sequence change falls in intron 11 of the STIM1 gene. It does not directly change the encoded amino acid sequence of the STIM1 protein. This variant is not present in population databases (gnomAD no frequency). This variant has not been reported in the literature in individuals affected with STIM1-related conditions. Algorithms developed to predict the effect of sequence changes on RNA splicing suggest that this variant may disrupt the consensus splice site. In summary, the available evidence is currently insufficient to determine the role of this variant in disease. Therefore, it has been classified as a Variant of Uncertain Significance.